The following is an entry in ClinVar:

ClinVar aggregate classification (germline): Uncertain significance. Review status: criteria provided, multiple submitters, no conflicts (2 of 4 stars). 3 submissions from 3 submitters: Uncertain significance (3). Last evaluated 2026-05-29.

Conditions:
Developmental and epileptic encephalopathy, 42 (DEE42A). Also called: DEVELOPMENTAL AND EPILEPTIC ENCEPHALOPATHY 42A; EPILEPTIC ENCEPHALOPATHY, EARLY INFANTILE, 42A; Epileptic encephalopathy, early infantile, 42. Identifiers: MedGen C4310716, MONDO:0014917, OMIM 617106.
Migraine, familial hemiplegic, 1. Also called: MIGRAINE, FAMILIAL HEMIPLEGIC 1, WITH PROGRESSIVE CEREBELLAR ATAXIA. Identifiers: Orphanet 569, MedGen C1832884, MONDO:0020756, OMIM 141500, MONDO:0007714.

Submissions (3):

GeneDx
Classification: Uncertain significance. Last evaluated: 2026-05-29. Review status: criteria provided, single submitter. Criteria: GeneDx Variant Classification Process June 2021. Collection method: clinical testing. Allele origin: germline.
Comment: Not observed in large population cohorts (gnomAD); Has not been previously published as pathogenic or benign to our knowledge; In-silico analysis is inconclusive as to whether the variant alters gene splicing. In the absence of RNA/functional studies, the actual effect of this sequence change is unknown.

MGZ Medical Genetics Center
Classification: Uncertain significance for Developmental and epileptic encephalopathy, 42. Last evaluated: 2021-08-26. Review status: criteria provided, single submitter. Criteria: ACMG Guidelines, 2015. Collection method: clinical testing. Allele origin: germline. Affected: yes. Observed: 1 variant allele.
Comment: ACMG criteria applied: PS4_SUP, PM2_SUP, PP3

Centre for Mendelian Genomics, University Medical Centre Ljubljana
Classification: Uncertain significance for Migraine, familial hemiplegic, 1. Last evaluated: 2016-01-01. Review status: criteria provided, single submitter. Criteria: ACMG Guidelines, 2015. Collection method: clinical testing. Allele origin: unknown. Affected: yes.
Comment: This variant was classified as: Uncertain significance. The following ACMG criteria were applied in classifying this variant: PM2,PP3.

NM_001127222.2(CACNA1A):c.1555+3_1555+6del

Gene: CACNA1A (calcium voltage-gated channel subunit alpha1 A; minus strand). Cytogenetic location: 19p13.13.
Variant type: Deletion.
Coding change: c.1555+3_1555+6del on transcript NM_001127222.2 (MANE Select); bases 3 to 6 of the intron after coding-DNA position 1555, 4 bases deleted (GAGT; older notation c.1555+3_1555+6delGAGT).
Molecular consequence: splice donor variant.
Genome position (GRCh38, 1-based): chr19:13,317,106-13,317,109, ACTC deleted on the plus strand (GAGT on the coding strand, the reverse complement: CACNA1A is on the minus strand); deleting any 4 consecutive bases within chr19:13,317,106-13,317,111 gives the same sequence; the c. name uses the placement nearest the transcript's 3' end. VCF-style (leftmost placement, unchanged base first): chr19-13317105-TACTC-T. GRCh37 (hg19) VCF-style: chr19-13427919-TACTC-T.
Other names: c.1558+3_1558+6del (NM_001127221.2, NM_001174080.2, NM_000068.4 and 1 more transcripts).
Identifiers: ClinVar variation 931379 (VCV000931379.8), dbSNP rs2058143459, ClinGen allele CA1139666333.